The following is an entry in ClinVar:

NM_000088.4(COL1A1):c.3256C>T (p.Pro1086Ser)

Gene: COL1A1 (collagen type I alpha 1 chain; minus strand). Cytogenetic location: 17q21.33.
Variant type: single nucleotide variant.
Coding change: c.3256C>T on transcript NM_000088.4 (MANE Select); coding-DNA position 3256, C replaced by T.
Protein change: p.Pro1086Ser; replaces proline 1086 with serine.
Molecular consequence: missense variant.
Genome position (GRCh38, 1-based): chr17:50,188,101, G>A on the plus strand (C>T on the coding strand, the complement: COL1A1 is on the minus strand). VCF-style: chr17-50188101-G-A. GRCh37 (hg19) VCF-style: chr17-48265462-G-A.
Other names: short protein forms P1086S.
Identifiers: ClinVar variation 2178638 (VCV002178638.31), dbSNP rs1906716959, ClinGen allele CA400200034.

ClinVar aggregate classification (germline): Uncertain significance. Review status: criteria provided, multiple submitters, no conflicts (2 of 4 stars). 5 submissions from 5 submitters: Uncertain significance (5). Last evaluated 2026-02-01.

Conditions:
Osteogenesis imperfecta type I (OI1). Also called: OI, TYPE I; OSTEOGENESIS IMPERFECTA TARDA; OSTEOGENESIS IMPERFECTA WITH BLUE SCLERAE; Osteogenesis imperfecta type 1; Lobstein disease; Lobstein's Disease. Identifiers: Orphanet 216796, Orphanet 666, MedGen C0023931, MONDO:0008146, OMIM 166200. Disease mechanism: loss of function.
COL1A1-related disorder. Also called: COL1A1-related condition; COL1A1- related disease.

gnomAD v4.1: 5 of 1,594,444 alleles (0.00031%); highest among the groups gnomAD compares: Middle Eastern, 0.033%; no homozygotes.

Submissions (5):

PreventionGenetics, part of Exact Sciences
Classification: Uncertain significance for COL1A1-related condition. Last evaluated: 2026-02-01. Review status: criteria provided, single submitter. Criteria: ACMG Guidelines, 2015. Collection method: clinical testing. Allele origin: germline.
Comment: The COL1A1 c.3256C>T variant is predicted to result in the amino acid substitution p.Pro1086Ser. To our knowledge, this variant has not been reported in the literature or in a large population database (gnomAD), indicating this variant is rare. At this time, the clinical significance of this variant is uncertain due to the absence of conclusive functional and genetic evidence.

Women's Health and Genetics/Laboratory Corporation of America, LabCorp
Classification: Uncertain significance. Last evaluated: 2025-02-19. Review status: criteria provided, single submitter. Criteria: LabCorp Variant Classification Summary - May 2015. Collection method: clinical testing. Allele origin: germline.
Comment: Variant summary: COL1A1 c.3256C>T (p.Pro1086Ser) results in a non-conservative amino acid change located in the collagen triple helix repeat domain (IPR008160) of the encoded protein sequence. Four of five in-silico tools predict a damaging effect of the variant on protein function. The variant was absent in 207098 control chromosomes. The available data on variant occurrences in the general population are insufficient to allow any conclusion about variant significance. To our knowledge, no occurrence of c.3256C>T in individuals affected with Osteogenesis imperfecta type I or other COL1A1-related disorders and no experimental evidence demonstrating its impact on protein function have been reported. ClinVar contains an entry for this variant (Variation ID: 2178638). Based on the evidence outlined above, the variant was classified as uncertain significance.

Genomic Medicine Center of Excellence, King Faisal Specialist Hospital and Research Centre
Classification: Uncertain significance for Osteogenesis imperfecta type I. Last evaluated: 2024-12-19. Review status: criteria provided, single submitter. Criteria: ACMG Guidelines, 2015. Collection method: clinical testing. Allele origin: germline.

Labcorp Genetics (formerly Invitae), Labcorp
Classification: Uncertain significance for Osteogenesis imperfecta type I. Last evaluated: 2024-08-04. Review status: criteria provided, single submitter. Criteria: Invitae Variant Classification Sherloc (09022015). Collection method: clinical testing. Allele origin: germline.
Comment: This sequence change replaces proline, which is neutral and non-polar, with serine, which is neutral and polar, at codon 1086 of the COL1A1 protein (p.Pro1086Ser). This variant is not present in population databases (gnomAD no frequency). This variant has not been reported in the literature in individuals affected with COL1A1-related conditions. ClinVar contains an entry for this variant (Variation ID: 2178638). Advanced modeling of protein sequence and biophysical properties (such as structural, functional, and spatial information, amino acid conservation, physicochemical variation, residue mobility, and thermodynamic stability) has been performed at Invitae for this missense variant, however the output from this modeling did not meet the statistical confidence thresholds required to predict the impact of this variant on COL1A1 protein function. In summary, the available evidence is currently insufficient to determine the role of this variant in disease. Therefore, it has been classified as a Variant of Uncertain Significance.

CeGaT Center for Human Genetics Tuebingen
Classification: Uncertain significance. Last evaluated: 2022-09-01. Review status: criteria provided, single submitter. Criteria: CeGaT Center For Human Genetics Tuebingen Variant Classification Criteria Version 2. Collection method: clinical testing. Allele origin: germline. Affected: yes. Observed: 1 variant allele.
Comment: COL1A1: PM2, PP2